The following is an entry in ClinVar:

ClinVar aggregate classification (germline): Pathogenic/Likely pathogenic. Review status: criteria provided, multiple submitters, no conflicts (2 of 4 stars). 5 submissions from 5 submitters: Pathogenic (1); Likely pathogenic (3). 1 of the submissions does not count toward it. Last evaluated 2025-08-26.

Conditions:
Neurofibromatosis, type 1 (NF1). Also called: Neurofibromatosis, type I; Peripheral type neurofibromatosis; NEUROFIBROMATOSIS, TYPE I, SOMATIC; VON RECKLINGHAUSEN DISEASE. Identifiers: Orphanet 636, MedGen C0027831, MONDO:0018975, OMIM 162200. Disease mechanism: loss of function.
Cardiovascular phenotype. Identifiers: MedGen CN230736.
Hereditary cancer-predisposing syndrome. Also called: Hereditary neoplastic syndrome; Neoplastic Syndromes, Hereditary; Hereditary Cancer Syndrome; Tumor predisposition. Identifiers: Orphanet 140162, MedGen C0027672, MeSH D009386, MONDO:0015356.
NF1-related disorder. Also called: NF1-related condition. Identifiers: MedGen CN379171.

Submissions (5):

Ambry Genetics
Classification: Likely pathogenic for Cardiovascular phenotype; Hereditary cancer-predisposing syndrome. Last evaluated: 2025-08-26. Review status: criteria provided, single submitter. Criteria: Ambry Variant Classification Scheme 2023. Collection method: clinical testing. Allele origin: germline.
Comment: The p.N1430D variant (also known as c.4288A>G), located in coding exon 32 of the NF1 gene, results from an A to G substitution at nucleotide position 4288. The asparagine at codon 1430 is replaced by aspartic acid, an amino acid with highly similar properties. This alteration has been identified in multiple individuals with a clinical diagnosis of neurofibromatosis type 1 (NF1) (Prada CE et al. Am J Med Genet A, 2011 Jun;155A:1360-6; Sabbagh A et al. Hum Mutat, 2013 Nov;34:1510-8; Evans DG et al. EBioMedicine, 2016 May;7:212-20; Santoro C et al. Am J Med Genet A, 2017 Jun;173:1521-1530). This amino acid position is highly conserved in available vertebrate species. In addition, the in silico prediction for this alteration is inconclusive. This variant is considered to be rare based on population cohorts in the Genome Aggregation Database (gnomAD). Based on the majority of available evidence to date, this variant is likely to be pathogenic.

Labcorp Genetics (formerly Invitae), Labcorp
Classification: Pathogenic for Neurofibromatosis, type 1. Last evaluated: 2025-08-03. Review status: criteria provided, single submitter. Criteria: Invitae Variant Classification Sherloc (09022015). Collection method: clinical testing. Allele origin: germline.
Comment: This sequence change replaces asparagine, which is neutral and polar, with aspartic acid, which is acidic and polar, at codon 1430 of the NF1 protein (p.Asn1430Asp). This variant is not present in population databases (gnomAD no frequency). This missense change has been observed in individual(s) with neurofibromatosis type 1 (PMID: 21567923, 27322474, 28422438). Invitae Evidence Modeling of clinical and family history, age, sex, and reported ancestry of multiple individuals with this NF1 variant has been performed. This variant is expected to be pathogenic with a positive predictive value of at least 99%. This is a validated machine learning model that incorporates the clinical features of 1,785,918 individuals referred to our laboratory for NF1 testing. ClinVar contains an entry for this variant (Variation ID: 569136). Invitae Evidence Modeling of protein sequence and biophysical properties (such as structural, functional, and spatial information, amino acid conservation, physicochemical variation, residue mobility, and thermodynamic stability) indicates that this missense variant is expected to disrupt NF1 protein function with a positive predictive value of 95%. Experimental studies have shown that this missense change affects NF1 function (PMID: 12787671). For these reasons, this variant has been classified as Pathogenic.

ARUP Laboratories, Molecular Genetics and Genomics, ARUP Laboratories
Classification: Likely pathogenic. Last evaluated: 2025-04-11. Review status: criteria provided, single submitter. Criteria: ARUP Molecular Germline Variant Investigation Process 2024. Collection method: clinical testing. Allele origin: germline.
Comment: The NF1 c.4351A>G; p.Asn1451Asp variant (rs1567862283, ClinVar Variation ID 569136), also known as c.4288A>G; p.Asn1430Asp on an alternative transcript, NM_00267.3, is reported in the literature in multiple individuals affected with neurofibromatosis type 1 (NF1) (Evans 2016, Prada 2011, Sabbagh 2013, Santoro 2017). Additionally, other variants at this codon (Asn1430Thr, Asn1430Tyr, Asn1430Lys) have been reported in individuals with clinical suspicion of NF1 (De Luca 2005, Hazan 2021, Xu 2014, Zhao 2021). In vitro functional analyses demonstrate that the Asn1430 residue is critical for protein function (Ahmadian 2003). The p.Asn1451Asp variant is absent from the Genome Aggregation Database (v2.1.1), indicating it is not a common polymorphism. Computational analyses predict that this variant is deleterious (REVEL: 0.876). Based on available information, the p.Asn1451Asp variant is considered to be likely pathogenic. References: Ahmadian MR et al. Structural fingerprints of the Ras-GTPase activating proteins neurofibromin and p120GAP. J Mol Biol. 2003 Jun 13;329(4):699-710. PMID: 12787671. De Luca A et al. NF1 gene mutations represent the major molecular event underlying neurofibromatosis-Noonan syndrome. Am J Hum Genet. 2005 Dec;77(6):1092-101. PMID: 16380919. Evans DG et al. Comprehensive RNA Analysis of the NF1 Gene in Classically Affected NF1 Affected Individuals Meeting NIH Criteria has High Sensitivity and Mutation Negative Testing is Reassuring in Isolated Cases With Pigmentary Features Only. EBioMedicine. 2016 May;7:212-20. PMID: 27322474. Hazan F et al. Evaluation of clinical findings and neurofibromatosis type 1 bright objects on brain magnetic resonance images of 60 Turkish patients with NF1 gene variants. Neurol Sci. 2021 May;42(5):2045-2057. PMID: 33443663. Prada CE. Lethal presentation of neurofibromatosis and Noonan syndrome. Am J Med Genet A. 2011 Jun;155A(6):1360-6. PMID: 21567923. Sabbagh A et al. NF1 molecular characterization and neurofibromatosis type I genotype-phenotype correlation: the French experience. Hum Mutat. 2013 Nov;34(11):1510-8. PMID: 23913538. Santoro C et al. Moyamoya syndrome in children with neurofibromatosis type 1: Italian-French experience. Am J Med Genet A. 2017 Jun;173(6):1521-1530. PMID: 28422438. Xu W et al. Fifty-four novel mutations in the NF1 gene and integrated analyses of the mutations that modulate splicing. Int J Mol Med. 2014 Jul;34(1):53-60. PMID: 24789688. Zhao S et al. Diagnostic yield and clinical impact of exome sequencing in early-onset scoliosis (EOS). J Med Genet. 2021 Jan;58(1):41-47. PMID: 32381727.

Blueprint Genetics
Classification: Likely pathogenic for NF1-related disorders. Last evaluated: 2024-10-01. Review status: criteria provided, single submitter. Criteria: ACMG Guidelines, 2015. Collection method: clinical testing. Allele origin: germline. Affected: yes. Observed: 2 variant alleles.

PreventionGenetics, part of Exact Sciences
Classification: Likely pathogenic for NF1-related condition. Last evaluated: 2024-08-29. Review status: no assertion criteria provided. Collection method: clinical testing. Allele origin: germline. Not counted in ClinVar's aggregate classification.
Comment: The NF1 c.4351A>G variant is predicted to result in the amino acid substitution p.Asn1451Asp. This variant is also referred to as c.4288A>G (p.Asn1430Asp) in alternate transcript (NM_000267). To our knowledge, this variant was first reported, along with a causative PTPN11 missense variant, in a newborn with neurofibromatosis-Noonan syndrome. The NF1 variant was inherited from the mother, who also had a clinical diagnosis of neurofibromatosis (Prada et al. 2011. PubMed ID: 21567923). Since then, this variant has been reported in other individuals clinically diagnosed with neurofibromatosis (Evans et al. 2016. PubMed ID: 27322474; Santoro et al. 2017. PubMed ID: 28422438). This variant has not been reported in a large population database, indicating this variant is rare and is interpreted as pathogenic/likely pathogenic in ClinVar. Additionally, different missense changes impacting the same amino acid (p.Asn1451Tyr, p.Asn1451Thr, p.Asn1451Lys) have been reported in individuals with neurofibromatosis, suggesting the p.Asn1451 residue is important for NF1 function (respectively: de novo, Hazan et al. 2021. PubMed ID: 33443663; De Luca et al. 2005. PubMed ID: 16380919; Table S5: de novo, Zhao et al. 2021. PubMed ID: 32381727). This variant is interpreted as likely pathogenic.

Literature cited by the submitters: PubMed 21567923 (cited by Ambry Genetics and Labcorp Genetics (formerly Invitae), Labcorp); PubMed 23913538 (cited by Ambry Genetics); PubMed 27322474 (cited by Ambry Genetics and Labcorp Genetics (formerly Invitae), Labcorp); PubMed 28422438 (cited by Ambry Genetics and Labcorp Genetics (formerly Invitae), Labcorp); PubMed 12787671 (cited by Labcorp Genetics (formerly Invitae), Labcorp).

NM_001042492.3(NF1):c.4351A>G (p.Asn1451Asp)

Gene: NF1 (neurofibromin 1; plus strand). Cytogenetic location: 17q11.2.
Variant type: single nucleotide variant.
Coding change: c.4351A>G on transcript NM_001042492.3 (MANE Select); coding-DNA position 4351, A replaced by G.
Protein change: p.Asn1451Asp; replaces asparagine 1451 with aspartic acid.
Molecular consequence: missense variant.
Genome position (GRCh38, 1-based): chr17:31,259,050, A>G. VCF-style: chr17-31259050-A-G. GRCh37 (hg19) VCF-style: chr17-29586068-A-G.
Other names: c.4288A>G, p.Asn1430Asp (NM_000267.4); short protein forms N1451D, N1430D.
Identifiers: ClinVar variation 569136 (VCV000569136.10), dbSNP rs1567862283, ClinGen allele CA398998739.